The following is an entry in ClinVar:

NM_000548.5(TSC2):c.4844T>G (p.Met1615Arg)

Gene: TSC2 (TSC complex subunit 2; plus strand). Cytogenetic location: 16p13.3.
Variant type: single nucleotide variant.
Coding change: c.4844T>G on transcript NM_000548.5 (MANE Select); coding-DNA position 4844, T replaced by G.
Protein change: p.Met1615Arg; replaces methionine 1615 with arginine.
Molecular consequence: missense variant.
Genome position (GRCh38, 1-based): chr16:2,086,374, T>G. VCF-style: chr16-2086374-T-G. GRCh37 (hg19) VCF-style: chr16-2136375-T-G.
Other names: c.4643T>G, p.Met1548Arg (NM_001077183.3); c.4775T>G, p.Met1592Arg (NM_001114382.3); c.4535T>G, p.Met1512Arg (NM_001318827.2); c.4499T>G, p.Met1500Arg (NM_001318829.2); c.4112T>G, p.Met1371Arg (NM_001318831.2); c.4676T>G, p.Met1559Arg (NM_001318832.2); c.4646T>G, p.Met1549Arg (NM_001363528.2); c.4712T>G, p.Met1571Arg (NM_001370404.1); and 1 more; short protein forms M1548R, M1592R, M1512R, M1549R, M1559R, M1571R, M1572R, M1615R.
Identifiers: ClinVar variation 838362 (VCV000838362.33), dbSNP rs2090790157, ClinGen allele CA394308151.

ClinVar aggregate classification (germline): Uncertain significance. Review status: criteria provided, multiple submitters, no conflicts (2 of 4 stars). 2 submissions from 2 submitters: Uncertain significance (2). Last evaluated 2022-03-01.

Conditions:
Tuberous sclerosis 2 (TSC2). Identifiers: Orphanet 805, MedGen C1860707, MONDO:0013199, OMIM 613254.

Submissions (2):

CeGaT Center for Human Genetics Tuebingen
Classification: Uncertain significance. Last evaluated: 2022-03-01. Review status: criteria provided, single submitter. Criteria: CeGaT Center For Human Genetics Tuebingen Variant Classification Criteria Version 2. Collection method: clinical testing. Allele origin: germline. Affected: yes. Observed: 1 variant allele.
Comment: TSC2: PM2

Labcorp Genetics (formerly Invitae), Labcorp
Classification: Uncertain significance for Tuberous sclerosis 2. Last evaluated: 2019-02-05. Review status: criteria provided, single submitter. Criteria: Invitae Variant Classification Sherloc (09022015). Collection method: clinical testing. Allele origin: germline.
Comment: In summary, the available evidence is currently insufficient to determine the role of this variant in disease. Therefore, it has been classified as a Variant of Uncertain Significance. Algorithms developed to predict the effect of missense changes on protein structure and function are either unavailable or do not agree on the potential impact of this missense change (SIFT: "Deleterious"; PolyPhen-2: "Probably Damaging"; Align-GVGD: "Class C0"). This variant has not been reported in the literature in individuals with TSC2-related conditions. This variant is not present in population databases (ExAC no frequency). This sequence change replaces methionine with arginine at codon 1615 of the TSC2 protein (p.Met1615Arg). The methionine residue is highly conserved and there is a moderate physicochemical difference between methionine and arginine.